The following is an entry in ClinVar:

ClinVar aggregate classification (germline): Likely benign. Review status: criteria provided, multiple submitters, no conflicts (2 of 4 stars). 2 submissions from 2 submitters: Likely benign (2). Last evaluated 2021-12-15.

Conditions:
Porokeratosis 3, disseminated superficial actinic type (POROK3). Also called: POROKERATOSIS, DISSEMINATED SUPERFICIAL ACTINIC, 1; POROKERATOSIS 3, MULTIPLE TYPES; POROKERATOSIS 3, MIBELLI TYPE. Identifiers: MedGen C1867981, MONDO:0008293, OMIM 175900.
Hyperimmunoglobulin D with periodic fever (HIDS). Also called: Hyperimmunoglobulinemia D; Hyperimmunoglobulinemia D with periodic fever; HYPERIMMUNOGLOBULINEMIA D AND PERIODIC FEVER SYNDROME. Identifiers: Orphanet 343, MedGen C0398691, MONDO:0009849, OMIM 260920.
Mevalonic aciduria (MEVA). Identifiers: Orphanet 29, MedGen C1959626, MONDO:0012481, OMIM 610377.

Allele frequency attached by ClinVar (database versions not stated): gnomAD 0.00041 and 0.00042; TOPMed 0.00047; gnomAD exomes 0.00054; 1000 Genomes Project 30x 0.00062.
gnomAD v4.1: 84 of 187,356 alleles (0.045%); highest among the groups gnomAD compares: Non-Finnish European, 0.077%; no homozygotes.

Submissions (2):

Fulgent Genetics
Classification: Likely benign for Porokeratosis 3, disseminated superficial actinic type; Hyperimmunoglobulin D with periodic fever; Mevalonic aciduria. Last evaluated: 2021-12-15. Review status: criteria provided, single submitter. Criteria: ACMG Guidelines, 2015. Collection method: clinical testing. Allele origin: unknown.

GeneDx
Classification: Likely benign. Last evaluated: 2017-07-03. Review status: criteria provided, single submitter. Criteria: GeneDx Variant Classification (06012015). Collection method: clinical testing. Allele origin: germline. Affected: yes.
Comment: This variant is considered likely benign or benign based on one or more of the following criteria: it is a conservative change, it occurs at a poorly conserved position in the protein, it is predicted to be benign by multiple in silico algorithms, and/or has population frequency not consistent with disease.

NM_000431.4(MVK):c.-15+16C>T

Gene: MVK (mevalonate kinase; plus strand). Cytogenetic location: 12q24.11.
Variant type: single nucleotide variant.
Coding change: c.-15+16C>T on transcript NM_000431.4 (MANE Select); 16 bases into the intron after 15 bases upstream of the start codon, C replaced by T.
Molecular consequence: intron variant.
Genome position (GRCh38, 1-based): chr12:109,573,889, C>T. VCF-style: chr12-109573889-C-T. GRCh37 (hg19) VCF-style: chr12-110011694-C-T.
Other names: c.-15+16C>T (NM_001301182.2, LRG_156t1); c.-6+16C>T (NM_001114185.3).
Identifiers: ClinVar variation 389976 (VCV000389976.2), dbSNP rs758229545, ClinGen allele CA16607063.